The following is an entry in ClinVar:

NM_018489.3(ASH1L):c.1601T>C (p.Met534Thr)

Gene: ASH1L (ASH1 like histone lysine methyltransferase; minus strand). Cytogenetic location: 1q22.
Variant type: single nucleotide variant.
Coding change: c.1601T>C on transcript NM_018489.3 (MANE Select); coding-DNA position 1601, T replaced by C.
Protein change: p.Met534Thr; replaces methionine 534 with threonine.
Molecular consequence: missense variant.
Genome position (GRCh38, 1-based): chr1:155,481,269, A>G on the plus strand (T>C on the coding strand, the complement: ASH1L is on the minus strand). VCF-style: chr1-155481269-A-G. GRCh37 (hg19) VCF-style: chr1-155451060-A-G.
Other names: c.1601T>C, p.Met534Thr (NM_001366177.2); short protein forms M534T.
Identifiers: ClinVar variation 2581725 (VCV002581725.1), dbSNP rs2527194710, ClinGen allele CA342732376.

ClinVar aggregate classification (germline): Uncertain significance (1 of 4 stars; one submission).

Allele frequency attached by ClinVar (database versions not stated): gnomAD exomes below 0.00001.
gnomAD v4.1: 3 of 1,614,146 alleles (0.00019%); highest among the groups gnomAD compares: Non-Finnish European, 0.00025%; no homozygotes.

Submission:

GeneDx
Classification: Uncertain significance. Last evaluated: 2023-04-02. Review status: criteria provided, single submitter. Criteria: GeneDx Variant Classification Process June 2021. Collection method: clinical testing. Allele origin: germline. Affected: yes.
Comment: Not observed at significant frequency in large population cohorts (gnomAD); In silico analysis supports that this missense variant does not alter protein structure/function; Has not been previously published as pathogenic or benign to our knowledge